The following is an entry in ClinVar:

NM_003839.4(TNFRSF11A):c.18_30del (p.Arg7fs)

Genes: TNFRSF11A (TNF receptor superfamily member 11a; plus strand), LOC130062628 (ATAC-STARR-seq lymphoblastoid silent region 9505; plus strand). Cytogenetic location: 18q21.33.
Variant type: Deletion.
Coding change: c.18_30del on transcript NM_003839.4 (MANE Select); coding-DNA positions 18 to 30, 13 bases deleted (GCGGCGCCGCCCG).
Protein change: p.Arg7fs; shifts the reading frame from arginine 7.
Molecular consequence: frameshift variant.
Genome position (GRCh38, 1-based): chr18:62,325,370-62,325,382, GCGGCGCCGCCCG deleted; deleting any 13 consecutive bases within chr18:62,325,364-62,325,382 gives the same sequence; the c. name uses the placement nearest the transcript's 3' end. VCF-style (leftmost placement, unchanged base first): chr18-62325363-GCGCCCGGCGGCGC-G. GRCh37 (hg19) VCF-style: chr18-59992596-GCGCCCGGCGGCGC-G.
Other names: c.18_30del, p.Arg7fs (NM_001270949.2, NM_001270950.2, NM_001270951.2 and 1 more transcripts); short protein forms R7fs.
Identifiers: ClinVar variation 2794042 (VCV002794042.3), dbSNP rs1338132991, ClinGen allele CA781275637.

ClinVar aggregate classification (germline): Pathogenic (1 of 4 stars; one submission).

Submission:

Labcorp Genetics (formerly Invitae), Labcorp
Classification: Pathogenic. Last evaluated: 2025-10-25. Review status: criteria provided, single submitter. Criteria: Invitae Variant Classification Sherloc (09022015). Collection method: clinical testing. Allele origin: germline.
Comment: This sequence change creates a premature translational stop signal (p.Arg7Cysfs*172) in the TNFRSF11A gene. It is expected to result in an absent or disrupted protein product. Loss-of-function variants in TNFRSF11A are known to be pathogenic (PMID: 10677500, 18606301, 22271396). The frequency data for this variant in the population databases is considered unreliable, as metrics indicate insufficient coverage at this position in the gnomAD database. This variant has not been reported in the literature in individuals affected with TNFRSF11A-related conditions. ClinVar contains an entry for this variant (Variation ID: 2794042). For these reasons, this variant has been classified as Pathogenic.

Literature cited by the submitters: PubMed 10677500; PubMed 18606301; PubMed 22271396.